The following is an entry in ClinVar:

ClinVar aggregate classification (germline): Uncertain significance (1 of 4 stars; one submission).

Submission:

Labcorp Genetics (formerly Invitae), Labcorp
Classification: Uncertain significance. Last evaluated: 2023-08-06. Review status: criteria provided, single submitter. Criteria: Invitae Variant Classification Sherloc (09022015). Collection method: clinical testing. Allele origin: germline.
Comment: In summary, the available evidence is currently insufficient to determine the role of this variant in disease. Therefore, it has been classified as a Variant of Uncertain Significance. Experimental studies and prediction algorithms are not available or were not evaluated, and the functional significance of this variant is currently unknown. ClinVar contains an entry for this variant (Variation ID: 2121453). This variant has not been reported in the literature in individuals affected with TNFRSF11A-related conditions. This variant is not present in population databases (gnomAD no frequency). This sequence change results in a frameshift in the TNFRSF11A gene (p.Gly593Argfs*75). While this is not anticipated to result in nonsense mediated decay, it is expected to disrupt the last 24 amino acid(s) of the TNFRSF11A protein and extend the protein by 50 additional amino acid residues.

NM_003839.4(TNFRSF11A):c.1777_1801del (p.Gly593fs)

Gene: TNFRSF11A (TNF receptor superfamily member 11a; plus strand). Cytogenetic location: 18q21.33.
Variant type: Deletion.
Coding change: c.1777_1801del on transcript NM_003839.4 (MANE Select); coding-DNA positions 1777 to 1801, 25 bases deleted (GGCGGCCCCGAGGGGCTGCGGGAGC).
Protein change: p.Gly593fs; shifts the reading frame from glycine 593.
Molecular consequence: frameshift variant. On other transcripts: 3 prime UTR variant (1).
Genome position (GRCh38, 1-based): chr18:62,384,960-62,384,984, GGCGGCCCCGAGGGGCTGCGGGAGC deleted; deleting any 25 consecutive bases within chr18:62,384,958-62,384,984 gives the same sequence; the c. name uses the placement nearest the transcript's 3' end. VCF-style (leftmost placement, unchanged base first): chr18-62384957-TGCGGCGGCCCCGAGGGGCTGCGGGA-T. GRCh37 (hg19) VCF-style: chr18-60052190-TGCGGCGGCCCCGAGGGGCTGCGGGA-T.
Other names: c.*201_*225del (NM_001270949.2); c.940_964del, p.Gly314fs (NM_001270950.2); c.826_850del, p.Gly276fs (NM_001270951.2); c.1735_1759del, p.Gly579fs (NM_001278268.2); short protein forms G579fs, G276fs, G314fs, G593fs.
Identifiers: ClinVar variation 2121453 (VCV002121453.4), dbSNP rs1383949592, ClinGen allele CA630397297.